The following is an entry in ClinVar:

ClinVar aggregate classification (germline): Uncertain significance (1 of 4 stars; one submission).

gnomAD v4.1: 1 of 1,614,246 alleles (0.000062%); highest among the groups gnomAD compares: Non-Finnish European, 0.000085%; no homozygotes.

Submission:

CeGaT Center for Human Genetics Tuebingen
Classification: Uncertain significance. Last evaluated: 2025-07-01. Review status: criteria provided, single submitter. Criteria: CeGaT Center For Human Genetics Tuebingen Variant Classification Criteria Version 2. Collection method: clinical testing. Allele origin: germline. Affected: yes. Observed: 1 variant allele.
Comment: NSD2: PM2

NM_001042424.3(NSD2):c.353A>T (p.Lys118Ile)

Gene: NSD2 (nuclear receptor binding SET domain protein 2; plus strand). Cytogenetic location: 4p16.3.
Variant type: single nucleotide variant.
Coding change: c.353A>T on transcript NM_001042424.3 (MANE Select); coding-DNA position 353, A replaced by T.
Protein change: p.Lys118Ile; replaces lysine 118 with isoleucine.
Molecular consequence: missense variant.
Genome position (GRCh38, 1-based): chr4:1,901,007, A>T. VCF-style: chr4-1901007-A-T. GRCh37 (hg19) VCF-style: chr4-1902734-A-T.
Other names: c.353A>T, p.Lys118Ile (NM_007331.2, NM_133330.3, NM_133331.3 and 2 more transcripts); short protein forms K118I.
Identifiers: ClinVar variation 3778575 (VCV003778575.7).